The following is an entry in ClinVar:

ClinVar aggregate classification (germline): Benign (1 of 4 stars; one submission).

Submission:

GeneDx
Classification: Benign. Last evaluated: 2018-06-14. Review status: criteria provided, single submitter. Criteria: GeneDx Variant Classification (06012015). Collection method: clinical testing. Allele origin: germline. Affected: yes.
Comment: This variant is considered likely benign or benign based on one or more of the following criteria: it is a conservative change, it occurs at a poorly conserved position in the protein, it is predicted to be benign by multiple in silico algorithms, and/or has population frequency not consistent with disease.

NM_000256.3(MYBPC3):c.407-180del

Gene: MYBPC3 (myosin binding protein C3; minus strand). Cytogenetic location: 11p11.2.
Variant type: Deletion.
Coding change: c.407-180del on transcript NM_000256.3 (MANE Select); 180 bases into the intron before coding-DNA position 407, one base deleted (A; older notation c.407-180delA).
Molecular consequence: intron variant.
Genome position (GRCh38, 1-based): chr11:47,350,292, T deleted on the plus strand (A on the coding strand, the reverse complement: MYBPC3 is on the minus strand); the first of 7 consecutive T bases (chr11:47,350,292-47,350,298); deleting any one gives the same sequence. VCF-style (leftmost placement, unchanged base first): chr11-47350291-AT-A. GRCh37 (hg19) VCF-style: chr11-47371842-AT-A.
Other names: c.407-180delA (NM_000256.3).
Identifiers: ClinVar variation 671921 (VCV000671921.1), dbSNP rs11570049, ClinGen allele CA221707408.